The following is an entry in ClinVar:

NM_152703.5(SAMD9L):c.746T>C (p.Ile249Thr)

Gene: SAMD9L (sterile alpha motif domain containing 9 like; minus strand). Cytogenetic location: 7q21.2.
Variant type: single nucleotide variant.
Coding change: c.746T>C on transcript NM_152703.5 (MANE Select); coding-DNA position 746, T replaced by C.
Protein change: p.Ile249Thr; replaces isoleucine 249 with threonine.
Molecular consequence: missense variant.
Genome position (GRCh38, 1-based): chr7:93,135,226, A>G on the plus strand (T>C on the coding strand, the complement: SAMD9L is on the minus strand). VCF-style: chr7-93135226-A-G. GRCh37 (hg19) VCF-style: chr7-92764539-A-G.
Other names: c.746T>C, p.Ile249Thr (NM_001303496.3, NM_001303497.3, NM_001303498.3 and 5 more transcripts); c.746T>C (NM_152703.2); short protein forms I249T.
Identifiers: ClinVar variation 2499376 (VCV002499376.4), dbSNP rs202116441, ClinGen allele CA4343823.
Genomic context (GRCh38, chr7:93,135,226, plus strand): 5'-TTGATCATTACATTGAAGTGGTCAATGAAGGCAGCCTTACTGGTGATTTTCACACCAACA[A>G]TTTCTCCATGGGGTTTGTCCTTGACTCCAAAATGGATGGTGCCATTGGTGCGTGAATTCA-3'
Protein context (NP_689916.2, residues 239-259): FGVKDKPHGE[Ile249Thr]VGVKITSKAA

ClinVar aggregate classification (germline): Uncertain significance. Review status: criteria provided, multiple submitters, no conflicts (2 of 4 stars). 3 submissions from 3 submitters: Uncertain significance (3). Last evaluated 2025-01-21.

Conditions:
Inborn genetic diseases. Identifiers: MedGen C0950123, MeSH D030342.

Allele frequency attached by ClinVar (database versions not stated): ExAC 0.00001; gnomAD 0.00001; gnomAD exomes 0.00001; TOPMed 0.00001.
gnomAD v4.1: 14 of 1,613,938 alleles (0.00087%); highest among the groups gnomAD compares: Non-Finnish European, 0.00085%; no homozygotes.

Submissions (3):

Labcorp Genetics (formerly Invitae), Labcorp
Classification: Uncertain significance. Last evaluated: 2025-01-21. Review status: criteria provided, single submitter. Criteria: Invitae Variant Classification Sherloc (09022015). Collection method: clinical testing. Allele origin: germline.
Comment: This sequence change replaces isoleucine, which is neutral and non-polar, with threonine, which is neutral and polar, at codon 249 of the SAMD9L protein (p.Ile249Thr). This variant is present in population databases (rs202116441, gnomAD 0.004%). This variant has not been reported in the literature in individuals affected with SAMD9L-related conditions. ClinVar contains an entry for this variant (Variation ID: 2499376). An algorithm developed to predict the effect of missense changes on protein structure and function (PolyPhen-2) suggests that this variant is likely to be disruptive. In summary, the available evidence is currently insufficient to determine the role of this variant in disease. Therefore, it has been classified as a Variant of Uncertain Significance.

Ambry Genetics
Classification: Uncertain significance for Inborn genetic diseases. Last evaluated: 2024-12-06. Review status: criteria provided, single submitter. Criteria: Ambry Variant Classification Scheme 2023. Collection method: clinical testing. Allele origin: germline.
Comment: The p.I249T variant (also known as c.746T>C), located in coding exon 1 of the SAMD9L gene, results from a T to C substitution at nucleotide position 746. The isoleucine at codon 249 is replaced by threonine, an amino acid with similar properties. This amino acid position is conserved. In addition, the in silico prediction for this alteration is inconclusive. Based on the available evidence, the clinical significance of this variant remains unclear.

GeneDx
Classification: Uncertain significance. Last evaluated: 2022-10-12. Review status: criteria provided, single submitter. Criteria: GeneDx Variant Classification Process June 2021. Collection method: clinical testing. Allele origin: germline. Affected: yes.
Comment: Not observed at significant frequency in large population cohorts (gnomAD); In silico analysis supports that this missense variant has a deleterious effect on protein structure/function; Has not been previously published as pathogenic or benign to our knowledge